The following is an entry in ClinVar:

ClinVar aggregate classification (germline): Conflicting classifications of pathogenicity. Review status: criteria provided, conflicting classifications (1 of 4 stars). 4 submissions from 1 submitter: Uncertain significance (2); Likely benign (2). Last evaluated 2018-01-13.

Conditions:
Retinitis pigmentosa (RP). Identifiers: Orphanet 791, MedGen C0035334, MeSH D012174, MONDO:0019200, OMIM 268000. Inheritance: Autosomal dominant, autosomal recessive and X linked inheritance.
Stargardt disease 4 (STGD4). Identifiers: Orphanet 827, MedGen C1863534, MONDO:0011370, OMIM 603786.
Cone-rod dystrophy 12 (CORD12). Identifiers: Orphanet 1872, MedGen C2675210, MONDO:0012983, OMIM 612657.
Retinal macular dystrophy type 2 (MCDR2). Also called: Bull's eye macular dystrophy. Identifiers: Orphanet 319640, MedGen C4749334, MONDO:0011957, OMIM 608051.

Allele frequency attached by ClinVar (database versions not stated): TOPMed 0.00001; gnomAD 0.00003 and 0.00004; gnomAD exomes 0.00009; ExAC 0.00010; 1000 Genomes Project 0.00020; 1000 Genomes Project 30x 0.00031.
gnomAD v4.1: 21 of 1,567,642 alleles (0.0013%); highest among the groups gnomAD compares: East Asian, 0.045%; no homozygotes.

Submissions (4):

Illumina Laboratory Services, Illumina
Classification: Uncertain significance for Retinitis pigmentosa. Last evaluated: 2018-01-13. Review status: criteria provided, single submitter. Criteria: ICSL Variant Classification Criteria 13 December 2019. Collection method: clinical testing. Allele origin: germline.

Illumina Laboratory Services, Illumina
Classification: Uncertain significance for Retinal macular dystrophy type 2. Last evaluated: 2018-01-13. Review status: criteria provided, single submitter. Criteria: ICSL Variant Classification Criteria 13 December 2019. Collection method: clinical testing. Allele origin: germline.

Illumina Laboratory Services, Illumina
Classification: Likely benign for Stargardt disease 4. Last evaluated: 2018-01-13. Review status: criteria provided, single submitter. Criteria: ICSL Variant Classification Criteria 13 December 2019. Collection method: clinical testing. Allele origin: germline.
Comment: This variant was observed in the ICSL laboratory as part of a predisposition screen in an ostensibly healthy population. It had not been previously curated by ICSL or reported in the Human Gene Mutation Database (HGMD: prior to June 1st, 2018), and was therefore a candidate for classification through an automated scoring system. Utilizing variant allele frequency, disease prevalence and penetrance estimates, and inheritance mode, an automated score was calculated to assess if this variant is too frequent to cause the disease. Based on the score and internal cut-off values, a variant classified as likely benign is not then subjected to further curation. The score for this variant resulted in a classification of likely benign for this disease.

Illumina Laboratory Services, Illumina
Classification: Likely benign for Cone-rod dystrophy 12. Last evaluated: 2018-01-13. Review status: criteria provided, single submitter. Criteria: ICSL Variant Classification Criteria 13 December 2019. Collection method: clinical testing. Allele origin: germline.
Comment: the same text as in the submission from Illumina Laboratory Services, Illumina above.

NM_006017.3(PROM1):c.1301+11C>A

Gene: PROM1 (prominin 1; minus strand). Cytogenetic location: 4p15.32.
Variant type: single nucleotide variant.
Coding change: c.1301+11C>A on transcript NM_006017.3 (MANE Select); 11 bases into the intron after coding-DNA position 1301, C replaced by A.
Molecular consequence: intron variant.
Genome position (GRCh38, 1-based): chr4:16,008,938, G>T on the plus strand (C>A on the coding strand, the complement: PROM1 is on the minus strand). VCF-style: chr4-16008938-G-T. GRCh37 (hg19) VCF-style: chr4-16010561-G-T.
Other names: c.1274+11C>A (NM_001145848.2, NM_001145852.2, NM_001145847.2 and 4 more transcripts); c.1301+11C>A (NM_001145850.2, NM_001145849.2).
Identifiers: ClinVar variation 899993 (VCV000899993.4), dbSNP rs189953160, ClinGen allele CA2866815.